The following is an entry in ClinVar:

NM_005612.5(REST):c.265dup (p.Glu89fs)

Gene: REST (RE1 silencing transcription factor; plus strand). Cytogenetic location: 4q12.
Variant type: Duplication.
Coding change: c.265dup on transcript NM_005612.5 (MANE Select); coding-DNA position 265, one base duplicated (G; older notation c.265dupG).
Protein change: p.Glu89fs; shifts the reading frame from glutamic acid 89.
Molecular consequence: frameshift variant.
Genome position (GRCh38, 1-based): chr4:56,910,903, G duplicated. VCF-style (leftmost placement, unchanged base first): chr4-56910902-A-AG. GRCh37 (hg19) VCF-style: chr4-57777068-A-AG.
Other names: c.265dupG (NM_005612.4); c.265dup, p.Glu89Glyfs (NM_001193508.2, NM_001363453.3); short protein forms E89fs.
Identifiers: ClinVar variation 661428 (VCV000661428.8), dbSNP rs1578485326, ClinGen allele CA915943066.

ClinVar aggregate classification (germline): Pathogenic (1 of 4 stars; one submission).

Submission:

Labcorp Genetics (formerly Invitae), Labcorp
Classification: Pathogenic. Last evaluated: 2019-05-13. Review status: criteria provided, single submitter. Criteria: Invitae Variant Classification Sherloc (09022015). Collection method: clinical testing. Allele origin: germline.
Comment: For these reasons, this variant has been classified as Pathogenic. Loss-of-function variants in REST are known to be pathogenic (PMID: 26551668). This variant has not been reported in the literature in individuals with REST-related conditions. This variant is not present in population databases (ExAC no frequency). This sequence change creates a premature translational stop signal (p.Glu89Glyfs*6) in the REST gene. It is expected to result in an absent or disrupted protein product.

Literature cited by the submitters: PubMed 26551668.